The following is an entry in ClinVar:

NM_007294.4(BRCA1):c.2058A>T (p.Glu686Asp)

Gene: BRCA1 (BRCA1 DNA repair associated; minus strand). Cytogenetic location: 17q21.31.
Variant type: single nucleotide variant.
Coding change: c.2058A>T on transcript NM_007294.4 (MANE Select); coding-DNA position 2058, A replaced by T.
Protein change: p.Glu686Asp; replaces glutamic acid 686 with aspartic acid.
Molecular consequence: missense variant. On other transcripts: intron variant (137).
Genome position (GRCh38, 1-based): chr17:43,093,473, T>A on the plus strand (A>T on the coding strand, the complement: BRCA1 is on the minus strand). VCF-style: chr17-43093473-T-A. GRCh37 (hg19) VCF-style: chr17-41245490-T-A.
Other names: c.1932A>T, p.Glu644Asp (NM_001407687.1, NM_001407688.1, NM_001407689.1 and 11 more transcripts); c.1917A>T, p.Glu639Asp (NM_001407692.1, NM_001407694.1, NM_001407695.1 and 29 more transcripts); c.1914A>T, p.Glu638Asp (NM_001407740.1, NM_001407741.1, NM_001407838.1 and 20 more transcripts); c.2058A>T, p.Glu686Asp (NM_001407859.1, NM_001407581.1, NM_001407582.1 and 30 more transcripts); c.2055A>T, p.Glu685Asp (NM_001407860.1, NM_001407861.1, NM_001407610.1 and 22 more transcripts); c.1857A>T, p.Glu619Asp (NM_001407862.1); c.1935A>T, p.Glu645Asp (NM_001407863.1, NM_001407648.1, NM_001407668.1 and 19 more transcripts); c.1854A>T, p.Glu618Asp (NM_001407874.1, NM_001407875.1); and 40 more; short protein forms E686D, E639D, E390D, E558D, E685D, E518D, E597D, E615D.
Identifiers: ClinVar variation 619622 (VCV000619622.12), dbSNP rs1262148583, ClinGen allele CA10597886.

ClinVar aggregate classification (germline): Conflicting classifications of pathogenicity. Review status: criteria provided, conflicting classifications (1 of 4 stars). 5 submissions from 5 submitters: Uncertain significance (4); Likely benign (1). Last evaluated 2025-04-19.

Conditions:
Hereditary cancer-predisposing syndrome. Also called: Tumor predisposition; Neoplastic Syndromes, Hereditary; Hereditary Cancer Syndrome; Hereditary neoplastic syndrome. Identifiers: Orphanet 140162, MedGen C0027672, MeSH D009386, MONDO:0015356.
Breast-ovarian cancer, familial, susceptibility to, 1 (BROVCA1). Also called: BRCA1 Hereditary Breast and Ovarian Cancer; OVARIAN CANCER, SUSCEPTIBILITY TO. Identifiers: Orphanet 145, MedGen C2676676, MONDO:0011450, OMIM 604370. Disease mechanism: loss of function.
Hereditary breast ovarian cancer syndrome. Also called: Hereditary breast and ovarian cancer; Hereditary breast and ovarian cancer syndrome; Hereditary breast and ovarian cancer syndrome (HBOC); Breast and ovarian cancer; BRCA1- and BRCA2-Associated Hereditary Breast and Ovarian Cancer; Hereditary breast and/or ovarian cancer syndrome. Identifiers: Orphanet 145, MedGen C0677776, MeSH D061325, MONDO:0003582. Disease mechanism: loss of function.

Allele frequency attached by ClinVar (database versions not stated): gnomAD exomes below 0.00001.
gnomAD v4.1: 1 of 1,614,124 alleles (0.000062%); highest among the groups gnomAD compares: Admixed American, 0.0017%; no homozygotes.

Submissions (5):

Ambry Genetics
Classification: Uncertain significance for Hereditary cancer-predisposing syndrome. Last evaluated: 2025-04-19. Review status: criteria provided, single submitter. Criteria: Ambry Variant Classification Scheme 2023. Collection method: clinical testing. Allele origin: germline.
Comment: The p.E686D variant (also known as c.2058A>T), located in coding exon 9 of the BRCA1 gene, results from an A to T substitution at nucleotide position 2058. The glutamic acid at codon 686 is replaced by aspartic acid, an amino acid with highly similar properties. This amino acid position is conserved. In addition, the in silico prediction for this alteration is inconclusive. Since supporting evidence is limited at this time, the clinical significance of this alteration remains unclear.

All of Us Research Program, National Institutes of Health
Classification: Uncertain significance for Breast-ovarian cancer, familial, susceptibility to, 1. Last evaluated: 2023-08-15. Review status: criteria provided, single submitter. Criteria: ACMG Guidelines, 2015. Collection method: clinical testing. Allele origin: germline. Inheritance: Autosomal dominant inheritance. Observed: 1 variant allele, 1 heterozygote.
Comment: This missense variant replaces glutamic acid with aspartic acid at codon 686 of the BRCA1 protein. Computational prediction is inconclusive regarding the impact of this variant on protein structure and function (internally defined REVEL score threshold 0.5 < inconclusive < 0.7, PMID: 27666373). To our knowledge, functional studies have not been reported for this variant. This variant has not been reported in individuals affected with BRCA1-related disorders in the literature. This variant has been identified in 1/251298 chromosomes in the general population by the Genome Aggregation Database (gnomAD). The available evidence is insufficient to determine the role of this variant in disease conclusively. Therefore, this variant is classified as a Variant of Uncertain Significance.

This study involves interpretation of variants in research participants for the purpose of population health screening. Participant phenotype was not available at the time of variant classification. Additional details can be found in publication PMID: 35346344, PMCID: PMC8962531

Labcorp Genetics (formerly Invitae), Labcorp
Classification: Uncertain significance for Hereditary breast ovarian cancer syndrome. Last evaluated: 2023-05-08. Review status: criteria provided, single submitter. Criteria: Invitae Variant Classification Sherloc (09022015). Collection method: clinical testing. Allele origin: germline.
Comment: In summary, the available evidence is currently insufficient to determine the role of this variant in disease. Therefore, it has been classified as a Variant of Uncertain Significance. Advanced modeling of protein sequence and biophysical properties (such as structural, functional, and spatial information, amino acid conservation, physicochemical variation, residue mobility, and thermodynamic stability) performed at Invitae indicates that this missense variant is not expected to disrupt BRCA1 protein function. ClinVar contains an entry for this variant (Variation ID: 619622). This variant has not been reported in the literature in individuals affected with BRCA1-related conditions. This variant is present in population databases (no rsID available, gnomAD 0.003%). This sequence change replaces glutamic acid, which is acidic and polar, with aspartic acid, which is acidic and polar, at codon 686 of the BRCA1 protein (p.Glu686Asp).

University of Washington Department of Laboratory Medicine, University of Washington
Classification: Likely benign for Hereditary cancer-predisposing syndrome. Last evaluated: 2023-03-23. Review status: criteria provided, single submitter. Criteria: Dines et al. (Genet Med. 2020). Collection method: curation. Allele origin: germline.
Comment: Missense variant in a coldspot region where missense variants are very unlikely to be pathogenic (PMID:31911673).

BRCA1 coldspot (exon 11 using historical exon numbering). Reclassification based on statistical prior probability

Quest Diagnostics Nichols Institute San Juan Capistrano
Classification: Uncertain significance. Last evaluated: 2018-06-20. Review status: criteria provided, single submitter. Criteria: Quest Diagnostics criteria. Collection method: clinical testing. Allele origin: germline.